The following is an entry in ClinVar:

NM_005422.4(TECTA):c.6346G>A (p.Glu2116Lys)

Genes: TBCEL-TECTA (TBCEL-TECTA readthrough; plus strand), TECTA (tectorin alpha; plus strand). Cytogenetic location: 11q23.3.
Variant type: single nucleotide variant.
Coding change: c.6346G>A on transcript NM_005422.4 (MANE Select); coding-DNA position 6346, G replaced by A.
Protein change: p.Glu2116Lys; replaces glutamic acid 2116 with lysine.
Molecular consequence: missense variant.
Genome position (GRCh38, 1-based): chr11:121,189,859, G>A. VCF-style: chr11-121189859-G-A. GRCh37 (hg19) VCF-style: chr11-121060568-G-A.
Other names: c.7288G>A, p.Glu2430Lys (NM_001378761.1); short protein forms E2430K, E2116K.
Identifiers: ClinVar variation 4996985 (VCV004996985.1).

ClinVar aggregate classification (germline): Uncertain significance (1 of 4 stars; one submission).

Conditions:
TECTA-related disorder. Also called: TECTA-related condition.

gnomAD v4.1: 3 of 1,613,210 alleles (0.00019%); highest among the groups gnomAD compares: African/African-American, 0.004%; no homozygotes.

Submission:

PreventionGenetics, part of Exact Sciences
Classification: Uncertain significance for TECTA-related condition. Last evaluated: 2026-04-09. Review status: criteria provided, single submitter. Criteria: ACMG Guidelines, 2015. Collection method: clinical testing. Allele origin: germline.
Comment: The TECTA c.6346G>A variant is predicted to result in the amino acid substitution p.Glu2116Lys. To our knowledge, this variant has not been reported in the literature. This variant is reported in 0.012% of alleles in individuals of African descent in gnomAD. At this time, the clinical significance of this variant is uncertain due to the absence of conclusive functional and genetic evidence.